The following is an entry in ClinVar:

NM_001113378.2(FANCI):c.1699-3C>G

Gene: FANCI (FA complementation group I; plus strand). Cytogenetic location: 15q26.1.
Variant type: single nucleotide variant.
Coding change: c.1699-3C>G on transcript NM_001113378.2 (MANE Select); 3 bases into the intron before coding-DNA position 1699, C replaced by G.
Molecular consequence: intron variant.
Genome position (GRCh38, 1-based): chr15:89,285,093, C>G. VCF-style: chr15-89285093-C-G. GRCh37 (hg19) VCF-style: chr15-89828324-C-G.
Other names: c.1699-3C>G (NM_018193.3, NM_001376911.1); c.1420-3C>G (NM_001376910.1).
Identifiers: ClinVar variation 408236 (VCV000408236.11), dbSNP rs372441627, ClinGen allele CA7723129.

ClinVar aggregate classification (germline): Uncertain significance. Review status: criteria provided, multiple submitters, no conflicts (2 of 4 stars). 3 submissions from 3 submitters: Uncertain significance (3). Last evaluated 2026-05-15.

Conditions:
Fanconi anemia (FA). Also called: Fanconi's anemia. Identifiers: Orphanet 84, MedGen C0015625, MeSH D005199, MONDO:0019391.
Fanconi anemia complementation group I (FANCI). Also called: FANCI-Related Fanconi Anemia. Identifiers: Orphanet 84, MedGen C1836861, MONDO:0012186, OMIM 609053.

Allele frequency attached by ClinVar (database versions not stated): gnomAD exomes 0.00001 and 0.00003; ExAC 0.00005; gnomAD 0.00018 and 0.00020; TOPMed 0.00023; ESP Exome Variant Server 0.00031.
gnomAD v4.1: 44 of 1,613,880 alleles (0.0027%); highest among the groups gnomAD compares: African/African-American, 0.052%; no homozygotes.

Submissions (3):

Greenwood Genetic Center Diagnostic Laboratories, Greenwood Genetic Center
Classification: Uncertain significance. Last evaluated: 2026-05-15. Review status: criteria provided, single submitter. Criteria: ACMG Guidelines, 2015. Collection method: clinical testing. Allele origin: germline.
Comment: PM2, PP3

Labcorp Genetics (formerly Invitae), Labcorp
Classification: Uncertain significance for Fanconi anemia. Last evaluated: 2024-09-29. Review status: criteria provided, single submitter. Criteria: Invitae Variant Classification Sherloc (09022015). Collection method: clinical testing. Allele origin: germline.
Comment: This sequence change falls in intron 17 of the FANCI gene. It does not directly change the encoded amino acid sequence of the FANCI protein. This variant is present in population databases (rs372441627, gnomAD 0.04%). This variant has not been reported in the literature in individuals affected with FANCI-related conditions. ClinVar contains an entry for this variant (Variation ID: 408236). Algorithms developed to predict the effect of sequence changes on RNA splicing suggest that this variant may disrupt the consensus splice site. In summary, the available evidence is currently insufficient to determine the role of this variant in disease. Therefore, it has been classified as a Variant of Uncertain Significance.

Fulgent Genetics
Classification: Uncertain significance for Fanconi anemia complementation group I. Last evaluated: 2024-02-05. Review status: criteria provided, single submitter. Criteria: ACMG Guidelines, 2015. Collection method: clinical testing. Allele origin: germline.